The following is an entry in ClinVar:

ClinVar aggregate classification (germline): Uncertain significance. Review status: criteria provided, multiple submitters, no conflicts (2 of 4 stars). 2 submissions from 2 submitters: Uncertain significance (2). Last evaluated 2025-08-10.

Conditions:
Inborn genetic diseases. Identifiers: MedGen C0950123, MeSH D030342.

Allele frequency attached by ClinVar (database versions not stated): ExAC 0.00001; gnomAD 0.00001; gnomAD exomes 0.00001; TOPMed 0.00001.
gnomAD v4.1: 20 of 1,597,038 alleles (0.0013%); highest among the groups gnomAD compares: Middle Eastern, 0.017%; no homozygotes.

Submissions (2):

Ambry Genetics
Classification: Uncertain significance for Inborn genetic diseases. Last evaluated: 2025-08-10. Review status: criteria provided, single submitter. Criteria: Ambry Variant Classification Scheme 2023. Collection method: clinical testing. Allele origin: germline.

Labcorp Genetics (formerly Invitae), Labcorp
Classification: Uncertain significance. Last evaluated: 2021-09-17. Review status: criteria provided, single submitter. Criteria: Invitae Variant Classification Sherloc (09022015). Collection method: clinical testing. Allele origin: germline.
Comment: In summary, the available evidence is currently insufficient to determine the role of this variant in disease. Therefore, it has been classified as a Variant of Uncertain Significance. Algorithms developed to predict the effect of missense changes on protein structure and function are either unavailable or do not agree on the potential impact of this missense change (SIFT: "Deleterious"; PolyPhen-2: "Probably Damaging"; Align-GVGD: "Class C0"). This variant has not been reported in the literature in individuals affected with NKX6-2-related conditions. This sequence change replaces lysine with glutamine at codon 149 of the NKX6-2 protein (p.Lys149Gln). The lysine residue is highly conserved and there is a small physicochemical difference between lysine and glutamine. This variant is present in population databases (rs754226604, ExAC 0.002%).

NM_177400.3(NKX6-2):c.445A>C (p.Lys149Gln)

Gene: NKX6-2 (NK6 homeobox 2; minus strand). Cytogenetic location: 10q26.3.
Variant type: single nucleotide variant.
Coding change: c.445A>C on transcript NM_177400.3 (MANE Select); coding-DNA position 445, A replaced by C.
Protein change: p.Lys149Gln; replaces lysine 149 with glutamine.
Molecular consequence: missense variant.
Genome position (GRCh38, 1-based): chr10:132,785,414, T>G on the plus strand (A>C on the coding strand, the complement: NKX6-2 is on the minus strand). VCF-style: chr10-132785414-T-G. GRCh37 (hg19) VCF-style: chr10-134598918-T-G.
Other names: c.445A>C (NM_177400.2); short protein forms K149Q.
Identifiers: ClinVar variation 1418023 (VCV001418023.7), dbSNP rs754226604, ClinGen allele CA5756105.